The following is an entry in ClinVar:

NM_018451.5(CPAP):c.*404C>T

Genes: CPAP (centrosome assembly and centriole elongation protein; minus strand), RNF17 (ring finger protein 17; plus strand). Cytogenetic location: 13q12.12.
Variant type: single nucleotide variant.
Coding change: c.*404C>T on transcript NM_018451.5 (MANE Select); 404 bases downstream of the stop codon, C replaced by T.
Molecular consequence: 3 prime UTR variant. On other transcripts: non-coding transcript variant (2).
Genome position (GRCh38, 1-based): chr13:24,882,773, G>A on the plus strand (C>T on the coding strand, the complement: CPAP is on the minus strand). VCF-style: chr13-24882773-G-A. GRCh37 (hg19) VCF-style: chr13-25456911-G-A.
Identifiers: ClinVar variation 311597 (VCV000311597.7), dbSNP rs77868928, ClinGen allele CA10639264.

ClinVar aggregate classification (germline): Benign. Review status: criteria provided, multiple submitters, no conflicts (2 of 4 stars). 3 submissions from 2 submitters: Benign (3). Last evaluated 2021-05-10.

Conditions:
Seckel syndrome 4 (SCKL4). Identifiers: Orphanet 808, MedGen C3888212, MONDO:0013358, OMIM 613676.
Microcephaly 6, primary, autosomal recessive. Identifiers: Orphanet 2512, MedGen C1842109, MONDO:0012029, OMIM 608393.

Allele frequency attached by ClinVar (database versions not stated): gnomAD exomes 0.11471; gnomAD 0.13457 and 0.13547; TOPMed 0.13469; 1000 Genomes Project 30x 0.15225; 1000 Genomes Project 0.15435.
gnomAD v4.1: 24,841 of 189,004 alleles (13%); highest among the groups gnomAD compares: East Asian, 30%; 1,884 homozygotes.

Submissions (3):

GeneDx
Classification: Benign. Last evaluated: 2021-05-10. Review status: criteria provided, single submitter. Criteria: GeneDx Variant Classification Process June 2021. Collection method: clinical testing. Allele origin: germline. Affected: yes.

Illumina Laboratory Services, Illumina
Classification: Benign for Microcephaly 6, primary, autosomal recessive. Last evaluated: 2018-01-12. Review status: criteria provided, single submitter. Criteria: ICSL Variant Classification Criteria 13 December 2019. Collection method: clinical testing. Allele origin: germline.
Comment: This variant was observed in the ICSL laboratory as part of a predisposition screen in an ostensibly healthy population. It had not been previously curated by ICSL or reported in the Human Gene Mutation Database (HGMD: prior to June 1st, 2018), and was therefore a candidate for classification through an automated scoring system. Utilizing variant allele frequency, disease prevalence and penetrance estimates, and inheritance mode, an automated score was calculated to assess if this variant is too frequent to cause the disease. Based on the score and internal cut-off values, a variant classified as benign is not then subjected to further curation. The score for this variant resulted in a classification of benign for this disease.

Illumina Laboratory Services, Illumina
Classification: Benign for Seckel syndrome 4. Last evaluated: 2018-01-12. Review status: criteria provided, single submitter. Criteria: ICSL Variant Classification Criteria 13 December 2019. Collection method: clinical testing. Allele origin: germline.
Comment: the same text as in the submission from Illumina Laboratory Services, Illumina above.